The following is an entry in ClinVar:

ClinVar aggregate classification (germline): Pathogenic (1 of 4 stars; one submission).

Conditions:
Ehlers-Danlos syndrome, type 4 (EDSVASC). Also called: Ehlers-Danlos syndrome vascular type; Ehlers Danlos syndrome, ecchymotic type; Ehlers Danlos syndrome, arterial type; Ehlers Danlos syndrome, Sack-Barabas type; Ehlers-Danlos Syndrome Type IV. Identifiers: Orphanet 286, MedGen C0268338, MONDO:0017314, OMIM 130050.

Submission:

Labcorp Genetics (formerly Invitae), Labcorp
Classification: Pathogenic for Ehlers-Danlos syndrome, type 4. Last evaluated: 2017-01-27. Review status: criteria provided, single submitter. Criteria: Invitae Variant Classification Sherloc (09022015). Collection method: clinical testing. Allele origin: germline.
Comment: This sequence change deletes 1 nucleotide from exon 7 of the COL3A1 mRNA (c.608delC), causing a frameshift at codon 203. This creates a premature translational stop signal (p.Pro203Leufs*19) and is expected to result in an absent or disrupted protein product. While this particular variant has not been reported in the literature, loss-of-function variants in COL3A1 are known to be pathogenic (PMID: 24922459). For these reasons, this variant has been classified as Pathogenic.

NM_000090.4(COL3A1):c.608del (p.Pro203fs)

Gene: COL3A1 (collagen type III alpha 1 chain; plus strand). Cytogenetic location: 2q32.2.
Variant type: Deletion.
Coding change: c.608del on transcript NM_000090.4 (MANE Select); coding-DNA position 608, one base deleted (C; older notation c.608delC).
Protein change: p.Pro203fs; shifts the reading frame from proline 203.
Molecular consequence: frameshift variant.
Genome position (GRCh38, 1-based): chr2:188,988,615, C deleted; the last of 5 consecutive C bases (chr2:188,988,611-188,988,615); deleting any one gives the same sequence. VCF-style (leftmost placement, unchanged base first): chr2-188988610-AC-A. GRCh37 (hg19) VCF-style: chr2-189853336-AC-A.
Other names: c.608delC (NM_000090.3); short protein forms P203fs.
Identifiers: ClinVar variation 459794 (VCV000459794.1), dbSNP rs1553507265, ClinGen allele CA658657183.